The following is an entry in ClinVar:

NM_000179.3(MSH6):c.80C>A (p.Ala27Asp)

Gene: MSH6 (mutS homolog 6; plus strand). Cytogenetic location: 2p16.3.
Variant type: single nucleotide variant.
Coding change: c.80C>A on transcript NM_000179.3 (MANE Select); coding-DNA position 80, C replaced by A.
Protein change: p.Ala27Asp; replaces alanine 27 with aspartic acid.
Molecular consequence: missense variant. On other transcripts: 5 prime UTR variant (1).
Genome position (GRCh38, 1-based): chr2:47,783,313, C>A. VCF-style: chr2-47783313-C-A. GRCh37 (hg19) VCF-style: chr2-48010452-C-A.
Other names: c.80C>A, p.Ala27Asp (NM_001281492.2); c.-657C>A (NM_001281493.2); short protein forms A27D.
Identifiers: ClinVar variation 998504 (VCV000998504.9), dbSNP rs1668116728, ClinGen allele CA346734799.

ClinVar aggregate classification (germline): Uncertain significance (1 of 4 stars; one submission).

Conditions:
Hereditary nonpolyposis colorectal neoplasms. Identifiers: MedGen C0009405, MeSH D003123.

gnomAD v4.1: 1 of 1,611,834 alleles (0.000062%); highest among the groups gnomAD compares: South Asian, 0.0011%; no homozygotes.

Submission:

Labcorp Genetics (formerly Invitae), Labcorp
Classification: Uncertain significance for Hereditary nonpolyposis colorectal neoplasms. Last evaluated: 2022-09-01. Review status: criteria provided, single submitter. Criteria: Invitae Variant Classification Sherloc (09022015). Collection method: clinical testing. Allele origin: germline.
Comment: In summary, the available evidence is currently insufficient to determine the role of this variant in disease. Therefore, it has been classified as a Variant of Uncertain Significance. Advanced modeling of protein sequence and biophysical properties (such as structural, functional, and spatial information, amino acid conservation, physicochemical variation, residue mobility, and thermodynamic stability) performed at Invitae indicates that this missense variant is not expected to disrupt MSH6 protein function. ClinVar contains an entry for this variant (Variation ID: 998504). This variant has not been reported in the literature in individuals affected with MSH6-related conditions. This variant is not present in population databases (gnomAD no frequency). This sequence change replaces alanine, which is neutral and non-polar, with aspartic acid, which is acidic and polar, at codon 27 of the MSH6 protein (p.Ala27Asp).